The following is an entry in ClinVar:

ClinVar aggregate classification (germline): Uncertain significance (1 of 4 stars; one submission).

Conditions:
Early-infantile DEE. Also called: Early infantile epileptic encephalopathy with suppression bursts; Ohtahara syndrome; Early infantile epileptic encephalopathy. Identifiers: Orphanet 1934, MedGen C0393706, MONDO:0800491.

Submission:

Labcorp Genetics (formerly Invitae), Labcorp
Classification: Uncertain significance for Early-infantile DEE. Last evaluated: 2020-10-05. Review status: criteria provided, single submitter. Criteria: Invitae Variant Classification Sherloc (09022015). Collection method: clinical testing. Allele origin: germline.
Comment: This sequence change replaces serine with glycine at codon 373 of the ST3GAL3 protein (p.Ser373Gly). The serine residue is moderately conserved and there is a small physicochemical difference between serine and glycine. This variant is not present in population databases (ExAC no frequency). This variant has not been reported in the literature in individuals with ST3GAL3-related conditions. Algorithms developed to predict the effect of missense changes on protein structure and function are either unavailable or do not agree on the potential impact of this missense change (SIFT: "Deleterious"; PolyPhen-2: "Benign"; Align-GVGD: "Class C0"). In summary, the available evidence is currently insufficient to determine the role of this variant in disease. Therefore, it has been classified as a Variant of Uncertain Significance.

NM_006279.5(ST3GAL3):c.1117A>G (p.Ser373Gly)

Gene: ST3GAL3 (ST3 beta-galactoside alpha-2,3-sialyltransferase 3; plus strand). Cytogenetic location: 1p34.1.
Variant type: single nucleotide variant.
Coding change: c.1117A>G on transcript NM_006279.5 (MANE Select); coding-DNA position 1117, A replaced by G.
Protein change: p.Ser373Gly; replaces serine 373 with glycine.
Molecular consequence: missense variant. On other transcripts: 3 prime UTR variant (10), non-coding transcript variant (8).
Genome position (GRCh38, 1-based): chr1:43,930,210, A>G. VCF-style: chr1-43930210-A-G. GRCh37 (hg19) VCF-style: chr1-44395882-A-G.
Other names: c.1027A>G, p.Ser343Gly (NM_001270459.2); c.1024A>G, p.Ser342Gly (NM_001270460.2); c.775A>G, p.Ser259Gly (NM_001270461.3); c.682A>G, p.Ser228Gly (NM_001270462.3); c.*27A>G (NM_001270463.3, NM_001270464.3, NM_001270466.3); c.*101A>G (NM_001270465.3); c.*8A>G (NM_001350619.2, NM_001350620.2, NM_001350621.2 and 3 more transcripts); c.985A>G, p.Ser329Gly (NM_001363573.2); and 6 more; short protein forms S228G, S259G, S275G, S329G, S342G, S343G, S357G, S373G.
Identifiers: ClinVar variation 1001091 (VCV001001091.9), dbSNP rs2084840723, ClinGen allele CA340036883.